The following is an entry in ClinVar:

ClinVar aggregate classification (germline): Uncertain significance (1 of 4 stars; one submission).

Allele frequency attached by ClinVar (database versions not stated): TOPMed below 0.00001; gnomAD 0.00001; gnomAD exomes 0.00001.
gnomAD v4.1: 19 of 1,614,056 alleles (0.0012%); highest among the groups gnomAD compares: Non-Finnish European, 0.0015%; no homozygotes.

Submission:

Labcorp Genetics (formerly Invitae), Labcorp
Classification: Uncertain significance. Last evaluated: 2023-07-18. Review status: criteria provided, single submitter. Criteria: Invitae Variant Classification Sherloc (09022015). Collection method: clinical testing. Allele origin: germline.
Comment: This variant has not been reported in the literature in individuals affected with KAT6A-related conditions. In summary, the available evidence is currently insufficient to determine the role of this variant in disease. Therefore, it has been classified as a Variant of Uncertain Significance. Advanced modeling of protein sequence and biophysical properties (such as structural, functional, and spatial information, amino acid conservation, physicochemical variation, residue mobility, and thermodynamic stability) performed at Invitae indicates that this missense variant is not expected to disrupt KAT6A protein function. This variant is not present in population databases (gnomAD no frequency). This sequence change replaces glutamic acid, which is acidic and polar, with glycine, which is neutral and non-polar, at codon 1398 of the KAT6A protein (p.Glu1398Gly).

NM_006766.5(KAT6A):c.4193A>G (p.Glu1398Gly)

Gene: KAT6A (lysine acetyltransferase 6A; minus strand). Cytogenetic location: 8p11.21.
Variant type: single nucleotide variant.
Coding change: c.4193A>G on transcript NM_006766.5 (MANE Select); coding-DNA position 4193, A replaced by G.
Protein change: p.Glu1398Gly; replaces glutamic acid 1398 with glycine.
Molecular consequence: missense variant.
Genome position (GRCh38, 1-based): chr8:41,934,027, T>C on the plus strand (A>G on the coding strand, the complement: KAT6A is on the minus strand). VCF-style: chr8-41934027-T-C. GRCh37 (hg19) VCF-style: chr8-41791545-T-C.
Other names: short protein forms E1398G.
Identifiers: ClinVar variation 2977192 (VCV002977192.3), dbSNP rs1821710791, ClinGen allele CA371066663.